The following is an entry in ClinVar:

NM_181426.2(CCDC39):c.1363-11A>G

Gene: CCDC39 (coiled-coil domain 39 molecular ruler complex subunit; minus strand). Cytogenetic location: 3q26.33.
Variant type: single nucleotide variant.
Coding change: c.1363-11A>G on transcript NM_181426.2 (MANE Select); 11 bases into the intron before coding-DNA position 1363, A replaced by G.
Molecular consequence: intron variant.
Genome position (GRCh38, 1-based): chr3:180,647,254, T>C on the plus strand (A>G on the coding strand, the complement: CCDC39 is on the minus strand). VCF-style: chr3-180647254-T-C. GRCh37 (hg19) VCF-style: chr3-180365042-T-C.
Identifiers: ClinVar variation 525356 (VCV000525356.9), dbSNP rs1553804100, ClinGen allele CA658796400.

ClinVar aggregate classification (germline): Likely pathogenic (1 of 4 stars; one submission).

Conditions:
Primary ciliary dyskinesia. Also called: Ciliary dyskinesia. Identifiers: Orphanet 244, MedGen C0008780, MONDO:0016575, HP:0012265.

Allele frequency attached by ClinVar (database versions not stated): TOPMed below 0.00001; gnomAD 0.00001.
gnomAD v4.1: 1 of 1,536,236 alleles (0.000065%); highest among the groups gnomAD compares: Non-Finnish European, 0.000087%; no homozygotes.

Submission:

Labcorp Genetics (formerly Invitae), Labcorp
Classification: Likely pathogenic for Primary ciliary dyskinesia. Last evaluated: 2017-10-02. Review status: criteria provided, single submitter. Criteria: Invitae Variant Classification Sherloc (09022015). Collection method: clinical testing. Allele origin: germline.
Comment: This sequence change falls in intron 10 of the CCDC39 gene. It does not directly change the encoded amino acid sequence of the CCDC39 protein. This variant is not present in population databases (ExAC no frequency). This finding is consistent with autosomal recessive inheritance, and suggests that this variant contributes to disease. Algorithms developed to predict the effect of sequence changes on RNA splicing suggest that this variant may create or strengthen a splice site, but this prediction has not been confirmed by published transcriptional studies. In summary, the currently available evidence indicates that the variant is pathogenic, but additional data are needed to prove that conclusively. Therefore, this variant has been classified as Likely Pathogenic.